The following is an entry in ClinVar:

NM_001040142.2(SCN2A):c.-41T>C

Gene: SCN2A (sodium voltage-gated channel alpha subunit 2; plus strand). Cytogenetic location: 2q24.3.
Variant type: single nucleotide variant.
Coding change: c.-41T>C on transcript NM_001040142.2 (MANE Select); 41 bases upstream of the start codon, T replaced by C.
Molecular consequence: 5 prime UTR variant.
Genome position (GRCh38, 1-based): chr2:165,295,783, T>C. VCF-style: chr2-165295783-T-C. GRCh37 (hg19) VCF-style: chr2-166152293-T-C.
Other names: c.-41T>C (NM_001040143.2, NM_001371246.1, NM_001371247.1 and 1 more transcripts).
Identifiers: ClinVar variation 515669 (VCV000515669.1), dbSNP rs777439927, ClinGen allele CA658795943.

ClinVar aggregate classification (germline): Likely benign (1 of 4 stars; one submission).

Allele frequency attached by ClinVar (database versions not stated): TOPMed below 0.00001; gnomAD 0.00001.
gnomAD v4.1: 2 of 1,613,666 alleles (0.00012%); highest among the groups gnomAD compares: East Asian, 0.0022%; no homozygotes.

Submission:

GeneDx
Classification: Likely benign. Last evaluated: 2018-02-20. Review status: criteria provided, single submitter. Criteria: GeneDx Variant Classification (06012015). Collection method: clinical testing. Allele origin: germline. Affected: yes.
Comment: This variant is considered likely benign or benign based on one or more of the following criteria: it is a conservative change, it occurs at a poorly conserved position in the protein, it is predicted to be benign by multiple in silico algorithms, and/or has population frequency not consistent with disease.